The following is an entry in ClinVar:

NM_001127222.2(CACNA1A):c.6685G>A (p.Ala2229Thr)

Gene: CACNA1A (calcium voltage-gated channel subunit alpha1 A; minus strand). Cytogenetic location: 19p13.13.
Variant type: single nucleotide variant.
Coding change: c.6685G>A on transcript NM_001127222.2 (MANE Select); coding-DNA position 6685, G replaced by A.
Protein change: p.Ala2229Thr; replaces alanine 2229 with threonine.
Molecular consequence: missense variant.
Genome position (GRCh38, 1-based): chr19:13,208,851, C>T on the plus strand (G>A on the coding strand, the complement: CACNA1A is on the minus strand). VCF-style: chr19-13208851-C-T. GRCh37 (hg19) VCF-style: chr19-13319665-C-T.
Other names: c.6703G>A, p.Ala2235Thr (NM_000068.4, NM_023035.3); c.6688G>A, p.Ala2230Thr (NM_001127221.2); c.6694G>A, p.Ala2232Thr (NM_001174080.2); short protein forms A2232T, A2229T, A2235T, A2230T.
Identifiers: ClinVar variation 1390015 (VCV001390015.6), dbSNP rs2054683125, ClinGen allele CA404329705.

ClinVar aggregate classification (germline): Uncertain significance (1 of 4 stars; one submission).

Conditions:
Developmental and epileptic encephalopathy, 42 (DEE42A). Also called: Epileptic encephalopathy, early infantile, 42; DEVELOPMENTAL AND EPILEPTIC ENCEPHALOPATHY 42A; EPILEPTIC ENCEPHALOPATHY, EARLY INFANTILE, 42A. Identifiers: MedGen C4310716, MONDO:0014917, OMIM 617106.
Episodic ataxia type 2 (EA2). Also called: EPISODIC ATAXIA, NYSTAGMUS-ASSOCIATED; ACETAZOLAMIDE-RESPONSIVE HEREDITARY PAROXYSMAL CEREBELLAR ATAXIA; ATAXIA, EPISODIC, WITH NYSTAGMUS; ATAXIA, FAMILIAL PAROXYSMAL; CEREBELLAR ATAXIA, PAROXYSMAL, ACETAZOLAMIDE-RESPONSIVE; CEREBELLOPATHY, HEREDITARY PAROXYSMAL. Identifiers: Orphanet 97, MedGen C1720416, MONDO:0007163, OMIM 108500.

Allele frequency attached by ClinVar (database versions not stated): TOPMed below 0.00001; gnomAD 0.00001.

Submission:

Labcorp Genetics (formerly Invitae), Labcorp
Classification: Uncertain significance for Developmental and epileptic encephalopathy, 42; Episodic ataxia type 2. Last evaluated: 2022-07-06. Review status: criteria provided, single submitter. Criteria: Invitae Variant Classification Sherloc (09022015). Collection method: clinical testing. Allele origin: germline.
Comment: This sequence change replaces alanine, which is neutral and non-polar, with threonine, which is neutral and polar, at codon 2230 of the CACNA1A protein (p.Ala2230Thr). This variant is not present in population databases (gnomAD no frequency). This missense change has been observed in individual(s) with familial hemiplegic migraine (Invitae). ClinVar contains an entry for this variant (Variation ID: 1390015). Advanced modeling of protein sequence and biophysical properties (such as structural, functional, and spatial information, amino acid conservation, physicochemical variation, residue mobility, and thermodynamic stability) performed at Invitae indicates that this missense variant is not expected to disrupt CACNA1A protein function. In summary, the available evidence is currently insufficient to determine the role of this variant in disease. Therefore, it has been classified as a Variant of Uncertain Significance.